The following is an entry in ClinVar:

ClinVar aggregate classification (germline): Uncertain significance. Review status: criteria provided, multiple submitters, no conflicts (2 of 4 stars). 2 submissions from 2 submitters: Uncertain significance (2). Last evaluated 2024-06-14.

Conditions:
Imerslund-Grasbeck syndrome type 2. Also called: Megaloblastic anemia 1, Norwegian type; MEGALOBLASTIC ANEMIA, NORWEGIAN TYPE; Imerslund-Gräsbeck syndrome 2. Identifiers: MedGen C4016948, MONDO:0100157, OMIM 618882.

gnomAD v4.1: 5 of 1,612,746 alleles (0.00031%); highest among the groups gnomAD compares: South Asian, 0.0033%; no homozygotes.

Submissions (2):

Fulgent Genetics
Classification: Uncertain significance for Imerslund-Grasbeck syndrome type 2. Last evaluated: 2024-06-14. Review status: criteria provided, single submitter. Criteria: ACMG Guidelines, 2015. Collection method: clinical testing. Allele origin: germline.

GeneDx
Classification: Uncertain significance. Last evaluated: 2024-03-19. Review status: criteria provided, single submitter. Criteria: GeneDx Variant Classification Process June 2021. Collection method: clinical testing. Allele origin: germline. Affected: yes.
Comment: Not observed at significant frequency in large population cohorts (gnomAD); In silico analysis supports that this missense variant does not alter protein structure/function; Has not been previously published as pathogenic or benign to our knowledge

NM_030943.4(AMN):c.119G>A (p.Arg40Gln)

Gene: AMN (amnion associated transmembrane protein; plus strand). Cytogenetic location: 14q32.32.
Variant type: single nucleotide variant.
Coding change: c.119G>A on transcript NM_030943.4 (MANE Select); coding-DNA position 119, G replaced by A.
Protein change: p.Arg40Gln; replaces arginine 40 with glutamine.
Molecular consequence: missense variant. On other transcripts: 5 prime UTR variant (1).
Genome position (GRCh38, 1-based): chr14:102,923,786, G>A. VCF-style: chr14-102923786-G-A. GRCh37 (hg19) VCF-style: chr14-103390123-G-A.
Other names: c.-44G>A (NM_001425246.1); short protein forms R40Q.
Identifiers: ClinVar variation 3371046 (VCV003371046.2).